The following is an entry in ClinVar:

ClinVar aggregate classification (germline): Uncertain significance. Review status: criteria provided, multiple submitters, no conflicts (2 of 4 stars). 2 submissions from 2 submitters: Uncertain significance (2). Last evaluated 2025-11-17.

Conditions:
Inborn genetic diseases. Identifiers: MedGen C0950123, MeSH D030342.
Spondylodysplastic Ehlers-Danlos syndrome. Identifiers: Orphanet 536471, Orphanet 75496, MedGen C5680154, MONDO:0007526.

Submissions (2):

Ambry Genetics
Classification: Uncertain significance for Inborn genetic diseases. Last evaluated: 2025-11-17. Review status: criteria provided, single submitter. Criteria: Ambry Variant Classification Scheme 2023. Collection method: clinical testing. Allele origin: germline.

Labcorp Genetics (formerly Invitae), Labcorp
Classification: Uncertain significance for Spondylodysplastic Ehlers-Danlos syndrome. Last evaluated: 2021-12-03. Review status: criteria provided, single submitter. Criteria: Invitae Variant Classification Sherloc (09022015). Collection method: clinical testing. Allele origin: germline.
Comment: This sequence change replaces proline, which is neutral and non-polar, with serine, which is neutral and polar, at codon 92 of the B4GALT7 protein (p.Pro92Ser). This variant is present in population databases (no rsID available, gnomAD 0.006%). This variant has not been reported in the literature in individuals affected with B4GALT7-related conditions. Algorithms developed to predict the effect of missense changes on protein structure and function (SIFT, PolyPhen-2, Align-GVGD) all suggest that this variant is likely to be tolerated. In summary, the available evidence is currently insufficient to determine the role of this variant in disease. Therefore, it has been classified as a Variant of Uncertain Significance.

NM_007255.3(B4GALT7):c.274C>T (p.Pro92Ser)

Gene: B4GALT7 (beta-1,4-galactosyltransferase 7; plus strand). Cytogenetic location: 5q35.3.
Variant type: single nucleotide variant.
Coding change: c.274C>T on transcript NM_007255.3 (MANE Select); coding-DNA position 274, C replaced by T.
Protein change: p.Pro92Ser; replaces proline 92 with serine.
Molecular consequence: missense variant.
Genome position (GRCh38, 1-based): chr5:177,604,402, C>T. VCF-style: chr5-177604402-C-T. GRCh37 (hg19) VCF-style: chr5-177031403-C-T.
Other names: c.274C>T (NM_007255.2); short protein forms P92S.
Identifiers: ClinVar variation 1417569 (VCV001417569.4), dbSNP rs756885469, ClinGen allele CA362373590.